The following is an entry in ClinVar:

ClinVar aggregate classification (germline): Likely pathogenic (1 of 4 stars; one submission).

Submission:

GeneDx
Classification: Likely pathogenic. Last evaluated: 2024-11-12. Review status: criteria provided, single submitter. Criteria: GeneDx Variant Classification Process June 2021. Collection method: clinical testing. Allele origin: germline. Affected: yes.
Comment: A different missense change at this residue (p.R22Q) has been reported in the published literature in association with Charcot-Marie-Tooth disease (PMID: 9272161, 11393532, 11835375, 26454100, 7580242); In silico analysis supports that this missense variant has a deleterious effect on protein structure/function; Missense variants in this gene are a common cause of disease and they are underrepresented in the general population; Not observed at significant frequency in large population cohorts (gnomAD); This variant is associated with the following publications: (PMID: 9272161, 11393532, 15006706, 7580242, 9633821, 12542510, 8737658, 26454100, 11835375, 9600589, 10521546, 17353473, 29998508, 18358413, 32941234)

NM_000166.6(GJB1):c.65G>T (p.Arg22Leu)

Gene: GJB1 (gap junction protein beta 1; plus strand). Cytogenetic location: Xq13.1.
Variant type: single nucleotide variant.
Coding change: c.65G>T on transcript NM_000166.6 (MANE Select); coding-DNA position 65, G replaced by T.
Protein change: p.Arg22Leu; replaces arginine 22 with leucine.
Molecular consequence: missense variant.
Genome position (GRCh38, 1-based): chrX:71,223,772, G>T. VCF-style: chrX-71223772-G-T. GRCh37 (hg19) VCF-style: chrX-70443622-G-T.
Other names: c.65G>T, p.Arg22Leu (NM_001097642.3); short protein forms R22L.
Identifiers: ClinVar variation 3898885 (VCV003898885.1).